The following is an entry in ClinVar:

ClinVar aggregate classification (germline): Uncertain significance (1 of 4 stars; one submission).

Conditions:
Familial thoracic aortic aneurysm and aortic dissection (TAAD). Also called: Thoracic aortic aneurysms and dissections. Identifiers: Orphanet 91387, MedGen C4707243, MONDO:0019625.

Submission:

Ambry Genetics
Classification: Uncertain significance for Familial thoracic aortic aneurysm and aortic dissection. Last evaluated: 2023-05-14. Review status: criteria provided, single submitter. Criteria: Ambry Variant Classification Scheme 2023. Collection method: clinical testing. Allele origin: germline.
Comment: The p.R337H variant (also known as c.1010G>A), located in coding exon 8 of the ACTA2 gene, results from a G to A substitution at nucleotide position 1010. The arginine at codon 337 is replaced by histidine, an amino acid with highly similar properties. This amino acid position is conserved. In addition, this alteration is predicted to be deleterious by in silico analysis. Since supporting evidence is limited at this time, the clinical significance of this alteration remains unclear.

NM_001613.4(ACTA2):c.1010G>A (p.Arg337His)

Genes: ACTA2 (actin alpha 2, smooth muscle; minus strand), ACTA2-AS1 (ACTA2 antisense RNA 1; plus strand). Cytogenetic location: 10q23.31.
Variant type: single nucleotide variant.
Coding change: c.1010G>A on transcript NM_001613.4 (MANE Select); coding-DNA position 1010, G replaced by A.
Protein change: p.Arg337His; replaces arginine 337 with histidine.
Molecular consequence: missense variant. On other transcripts: non-coding transcript variant (1).
Genome position (GRCh38, 1-based): chr10:88,935,347, C>T on the plus strand (G>A on the coding strand, the complement: ACTA2 is on the minus strand). VCF-style: chr10-88935347-C-T. GRCh37 (hg19) VCF-style: chr10-90695104-C-T.
Other names: c.881G>A, p.Arg294His (NM_001406468.1, NM_001406469.1, NM_001406467.1); c.818G>A, p.Arg273His (NM_001406471.1); c.1010G>A, p.Arg337His (NM_001141945.3, NM_001320855.2, NM_001406462.1 and 2 more transcripts); c.899G>A, p.Arg300His (NM_001406466.1); short protein forms R294H, R300H, R273H, R337H.
Identifiers: ClinVar variation 2565241 (VCV002565241.2), dbSNP rs2494502495, ClinGen allele CA377510593.